The following is an entry in ClinVar:

NM_006567.5(FARS2):c.1012C>A (p.Arg338Ser)

Gene: FARS2 (phenylalanyl-tRNA synthetase 2, mitochondrial; plus strand). Cytogenetic location: 6p25.1.
Variant type: single nucleotide variant.
Coding change: c.1012C>A on transcript NM_006567.5 (MANE Select); coding-DNA position 1012, C replaced by A.
Protein change: p.Arg338Ser; replaces arginine 338 with serine.
Molecular consequence: missense variant.
Genome position (GRCh38, 1-based): chr6:5,545,287, C>A. VCF-style: chr6-5545287-C-A. GRCh37 (hg19) VCF-style: chr6-5545520-C-A.
Other names: c.1012C>A, p.Arg338Ser (NM_001318872.2, NM_001374875.1, NM_001374876.1 and 4 more transcripts); c.880C>A, p.Arg294Ser (NM_001375258.1); c.316C>A, p.Arg106Ser (NM_001375259.1, NM_001375260.1); short protein forms R106S, R294S, R338S.
Identifiers: ClinVar variation 940097 (VCV000940097.8), dbSNP rs1167684566, ClinGen allele CA362736602.

ClinVar aggregate classification (germline): Uncertain significance. Review status: criteria provided, multiple submitters, no conflicts (2 of 4 stars). 2 submissions from 2 submitters: Uncertain significance (2). Last evaluated 2025-06-03.

Conditions:
Inborn genetic diseases. Identifiers: MedGen C0950123, MeSH D030342.
Combined oxidative phosphorylation defect type 14. Also called: Combined oxidative phosphorylation deficiency 14. Identifiers: Orphanet 319519, MedGen C4755312, MONDO:0013986, OMIM 614946.

Allele frequency attached by ClinVar (database versions not stated): TOPMed 0.00001; gnomAD 0.00001.
gnomAD v4.1: 6 of 1,613,930 alleles (0.00037%); highest among the groups gnomAD compares: African/African-American, 0.0027%; no homozygotes.

Submissions (2):

Ambry Genetics
Classification: Uncertain significance for Inborn genetic diseases. Last evaluated: 2025-06-03. Review status: criteria provided, single submitter. Criteria: Ambry Variant Classification Scheme 2023. Collection method: clinical testing. Allele origin: germline.

Labcorp Genetics (formerly Invitae), Labcorp
Classification: Uncertain significance for Combined oxidative phosphorylation defect type 14. Last evaluated: 2019-09-15. Review status: criteria provided, single submitter. Criteria: Invitae Variant Classification Sherloc (09022015). Collection method: clinical testing. Allele origin: germline.
Comment: In summary, the available evidence is currently insufficient to determine the role of this variant in disease. Therefore, it has been classified as a Variant of Uncertain Significance. Algorithms developed to predict the effect of missense changes on protein structure and function (SIFT, PolyPhen-2, Align-GVGD) all suggest that this variant is likely to be tolerated, but these predictions have not been confirmed by published functional studies and their clinical significance is uncertain. This variant has not been reported in the literature in individuals with FARS2-related conditions. This variant is not present in population databases (ExAC no frequency). This sequence change replaces arginine with serine at codon 338 of the FARS2 protein (p.Arg338Ser). The arginine residue is moderately conserved and there is a moderate physicochemical difference between arginine and serine.